The following is an entry in ClinVar:

NM_000256.3(MYBPC3):c.2965G>C (p.Glu989Gln)

Gene: MYBPC3 (myosin binding protein C3; minus strand). Cytogenetic location: 11p11.2.
Variant type: single nucleotide variant.
Coding change: c.2965G>C on transcript NM_000256.3 (MANE Select); coding-DNA position 2965, G replaced by C.
Protein change: p.Glu989Gln; replaces glutamic acid 989 with glutamine.
Molecular consequence: missense variant.
Genome position (GRCh38, 1-based): chr11:47,333,951, C>G on the plus strand (G>C on the coding strand, the complement: MYBPC3 is on the minus strand). VCF-style: chr11-47333951-C-G. GRCh37 (hg19) VCF-style: chr11-47355502-C-G.
Other names: short protein forms E989Q.
Identifiers: ClinVar variation 922957 (VCV000922957.5), dbSNP rs727503178, ClinGen allele CA380315854.

ClinVar aggregate classification (germline): Uncertain significance (1 of 4 stars; one submission).

Conditions:
Cardiomyopathy (CMYO). Also called: Cardiomyopathies. Identifiers: Orphanet 167848, MedGen C0878544, MONDO:0004994, HP:0001638. Inheritance: Various modes of inheritance.

Submission:

Color Diagnostics, LLC DBA Color Health
Classification: Uncertain significance for Cardiomyopathy. Last evaluated: 2023-12-04. Review status: criteria provided, single submitter. Criteria: ACMG Guidelines, 2015. Collection method: clinical testing. Allele origin: germline.
Comment: Variant of Uncertain Significance due to insufficient evidence: This missense variant is located in the Ig-like domain C8 of the MYBPC3 protein. Computational prediction tools and conservation analyses are inconclusive regarding the impact of this variant on the protein function. Computational splicing tools suggest that this variant may not impact RNA splicing. To our knowledge, functional assays have not been performed for this variant nor has this variant been reported in individuals affected with cardiovascular disorders in the literature. This variant is rare in the general population and has been identified in 0/277264 chromosomes by the Genome Aggregation Database (gnomAD). Available evidence is insufficient to determine the pathogenicity of this variant conclusively.